The following is an entry in ClinVar:

NM_001174147.2(LMX1B):c.991G>A (p.Asp331Asn)

Gene: LMX1B (LIM homeobox transcription factor 1 beta; plus strand). Cytogenetic location: 9q33.3.
Variant type: single nucleotide variant.
Coding change: c.991G>A on transcript NM_001174147.2 (MANE Select); coding-DNA position 991, G replaced by A.
Protein change: p.Asp331Asn; replaces aspartic acid 331 with asparagine.
Molecular consequence: missense variant.
Genome position (GRCh38, 1-based): chr9:126,695,943, G>A. VCF-style: chr9-126695943-G-A. GRCh37 (hg19) VCF-style: chr9-129458222-G-A.
Other names: c.1024G>A, p.Asp342Asn (NM_001174146.2); c.991G>A, p.Asp331Asn (NM_002316.4); short protein forms D331N, D342N.
Identifiers: ClinVar variation 1519737 (VCV001519737.6), dbSNP rs777089988, ClinGen allele CA5242501.

ClinVar aggregate classification (germline): Uncertain significance (1 of 4 stars; one submission).

Allele frequency attached by ClinVar (database versions not stated): TOPMed 0.00001; ExAC 0.00002; gnomAD 0.00002; gnomAD exomes 0.00002.
gnomAD v4.1: 25 of 1,613,094 alleles (0.0015%); highest among the groups gnomAD compares: African/African-American, 0.004%; no homozygotes.

Submission:

Labcorp Genetics (formerly Invitae), Labcorp
Classification: Uncertain significance. Last evaluated: 2025-06-12. Review status: criteria provided, single submitter. Criteria: Invitae Variant Classification Sherloc (09022015). Collection method: clinical testing. Allele origin: germline.
Comment: This sequence change replaces aspartic acid, which is acidic and polar, with asparagine, which is neutral and polar, at codon 331 of the LMX1B protein (p.Asp331Asn). This variant is present in population databases (rs777089988, gnomAD 0.008%). This variant has not been reported in the literature in individuals affected with LMX1B-related conditions. ClinVar contains an entry for this variant (Variation ID: 1519737). Invitae Evidence Modeling of protein sequence and biophysical properties (such as structural, functional, and spatial information, amino acid conservation, physicochemical variation, residue mobility, and thermodynamic stability) indicates that this missense variant is not expected to disrupt LMX1B protein function with a negative predictive value of 80%. In summary, the available evidence is currently insufficient to determine the role of this variant in disease. Therefore, it has been classified as a Variant of Uncertain Significance.